The following is an entry in ClinVar:

ClinVar aggregate classification (germline): Benign/Likely benign. Review status: criteria provided, multiple submitters, no conflicts (2 of 4 stars). 4 submissions from 4 submitters: Benign (1); Likely benign (3). Last evaluated 2025-08-09.

Conditions:
Fanconi anemia complementation group J. Also called: BRIP1-Related Fanconi Anemia. Identifiers: Orphanet 84, MedGen C1836860, MONDO:0012187, OMIM 609054.
Familial cancer of breast. Also called: BREAST CANCER, FAMILIAL; hereditary breast carcinoma; Hereditary breast cancer. Identifiers: Orphanet 227535, MedGen C0346153, MONDO:0016419, OMIM 114480. Disease mechanism: loss of function.
Hereditary cancer-predisposing syndrome. Also called: Tumor predisposition; Hereditary neoplastic syndrome; Neoplastic Syndromes, Hereditary; Hereditary Cancer Syndrome. Identifiers: Orphanet 140162, MedGen C0027672, MeSH D009386, MONDO:0015356.

Submissions (4):

Labcorp Genetics (formerly Invitae), Labcorp
Classification: Likely benign for Familial cancer of breast; Fanconi anemia complementation group J. Last evaluated: 2025-08-09. Review status: criteria provided, single submitter. Criteria: Invitae Variant Classification Sherloc (09022015). Collection method: clinical testing. Allele origin: germline.

Myriad Genetics, Inc.
Classification: Benign for Familial cancer of breast. Last evaluated: 2024-09-03. Review status: criteria provided, single submitter. Criteria: Myriad Autosomal Dominant, Autosomal Recessive and X-Linked Classification Criteria (2023). Collection method: clinical testing. Allele origin: unknown.
Comment: This variant is considered benign. This variant is a silent/synonymous amino acid change and it is not expected to impact splicing.

Ambry Genetics
Classification: Likely benign for Hereditary cancer-predisposing syndrome. Last evaluated: 2023-01-03. Review status: criteria provided, single submitter. Criteria: Ambry Variant Classification Scheme 2023. Collection method: clinical testing. Allele origin: germline.

Color Diagnostics, LLC DBA Color Health
Classification: Likely benign for Hereditary cancer-predisposing syndrome. Last evaluated: 2020-01-27. Review status: criteria provided, single submitter. Criteria: ACMG Guidelines, 2015. Collection method: clinical testing. Allele origin: germline.

NM_032043.3(BRIP1):c.2109A>G (p.Lys703=)

Gene: BRIP1 (BRCA1 interacting DNA helicase 1; minus strand). Cytogenetic location: 17q23.2.
Variant type: single nucleotide variant.
Coding change: c.2109A>G on transcript NM_032043.3 (MANE Select); coding-DNA position 2109, A replaced by G.
Protein change: p.Lys703=; no amino-acid change (lysine 703 retained).
Molecular consequence: synonymous variant.
Genome position (GRCh38, 1-based): chr17:61,744,580, T>C on the plus strand (A>G on the coding strand, the complement: BRIP1 is on the minus strand). VCF-style: chr17-61744580-T-C. GRCh37 (hg19) VCF-style: chr17-59821941-T-C.
Identifiers: ClinVar variation 926329 (VCV000926329.14), dbSNP rs2077034490, ClinGen allele CA501151385.
Genomic context (GRCh38, chr17:61,744,580, plus strand): 5'-GACTGTCTTCACCAACTCCAGATTATGCCATAAACCAGTAGAGAGCCAACGTTCTTTTAA[T>C]TTTTCTAATAACTAAAGAGGGGAAAGAAAAAAATGATTTTTTGTGTGTCTAGCTAAACAA-3'
Protein context (NP_114432.2, residues 693-713): CFLPSYKLLE[Lys703=]LKERWLSTGL